The following is an entry in ClinVar:

ClinVar aggregate classification (germline): Uncertain significance. Review status: criteria provided, multiple submitters, no conflicts (2 of 4 stars). 2 submissions from 2 submitters: Uncertain significance (2). Last evaluated 2025-07-09.

gnomAD v4.1: 1 of 1,204,971 alleles (0.000083%); highest among the groups gnomAD compares: Admixed American, 0.0022%; no homozygotes.

Submissions (2):

GeneDx
Classification: Uncertain significance. Last evaluated: 2025-07-09. Review status: criteria provided, single submitter. Criteria: GeneDx Variant Classification Process June 2021. Collection method: clinical testing. Allele origin: germline. Affected: yes.
Comment: Not observed at significant frequency in large population cohorts (gnomAD); In silico analysis supports that this missense variant has a deleterious effect on protein structure/function; Has not been previously published as pathogenic or benign to our knowledge

Labcorp Genetics (formerly Invitae), Labcorp
Classification: Uncertain significance. Last evaluated: 2024-03-03. Review status: criteria provided, single submitter. Criteria: Invitae Variant Classification Sherloc (09022015). Collection method: clinical testing. Allele origin: germline.
Comment: This sequence change replaces proline, which is neutral and non-polar, with serine, which is neutral and polar, at codon 817 of the STAG2 protein (p.Pro817Ser). This variant is not present in population databases (gnomAD no frequency). This variant has not been reported in the literature in individuals affected with STAG2-related conditions. Advanced modeling of protein sequence and biophysical properties (such as structural, functional, and spatial information, amino acid conservation, physicochemical variation, residue mobility, and thermodynamic stability) performed at Invitae indicates that this missense variant is not expected to disrupt STAG2 protein function with a negative predictive value of 80%. In summary, the available evidence is currently insufficient to determine the role of this variant in disease. Therefore, it has been classified as a Variant of Uncertain Significance.

NM_001042750.2(STAG2):c.2449C>T (p.Pro817Ser)

Gene: STAG2 (STAG2 cohesin complex component; plus strand). Cytogenetic location: Xq25.
Variant type: single nucleotide variant.
Coding change: c.2449C>T on transcript NM_001042750.2 (MANE Select); coding-DNA position 2449, C replaced by T.
Protein change: p.Pro817Ser; replaces proline 817 with serine.
Molecular consequence: missense variant.
Genome position (GRCh38, 1-based): chrX:124,071,239, C>T. VCF-style: chrX-124071239-C-T. GRCh37 (hg19) VCF-style: chrX-123205089-C-T.
Other names: c.2449C>T, p.Pro817Ser (NM_001042749.2, NM_001042751.2, NM_001282418.2 and 13 more transcripts); short protein forms P817S.
Identifiers: ClinVar variation 3696395 (VCV003696395.3).